The following is an entry in ClinVar:

ClinVar aggregate classification (germline): Likely pathogenic (1 of 4 stars; one submission).

Conditions:
Congenital heart defects, multiple types, 2 (CHTD2). Also called: Congenital heart defects, nonsyndromic, 2. Identifiers: Orphanet 664401, MedGen C3554279, MONDO:0014000, OMIM 614980.

Submission:

Laboratorio de Genetica e Diagnostico Molecular, Hospital Israelita Albert Einstein
Classification: Likely pathogenic for Congenital heart defects, multiple types, 2. Last evaluated: 2022-01-17. Review status: criteria provided, single submitter. Criteria: ACMG Guidelines, 2015. Collection method: clinical testing. Allele origin: germline. Affected: yes.
Comment: ACMG classification criteria: PVS1 very strong, PM2 moderate

NM_001292034.3(TAB2):c.1104C>G (p.Tyr368Ter)

Genes: TAB2 (TGF-beta activated kinase 1 (MAP3K7) binding protein 2; plus strand), LOC126859827 (BRD4-independent group 4 enhancer GRCh37_chr6:149699707-149700906; plus strand). Cytogenetic location: 6q25.1.
Variant type: single nucleotide variant.
Coding change: c.1104C>G on transcript NM_001292034.3 (MANE Select); coding-DNA position 1104, C replaced by G.
Protein change: p.Tyr368Ter; replaces tyrosine 368 with a stop codon.
Molecular consequence: nonsense.
Genome position (GRCh38, 1-based): chr6:149,379,019, C>G. VCF-style: chr6-149379019-C-G. GRCh37 (hg19) VCF-style: chr6-149700155-C-G.
Other names: c.1008C>G, p.Tyr336Ter (NM_001292035.3); c.1104C>G, p.Tyr368Ter (NM_001369506.1, NM_015093.6); short protein forms Y336*, Y368*.
Identifiers: ClinVar variation 1683671 (VCV001683671.2), dbSNP rs2114886711, ClinGen allele CA365997969.
Genomic context (GRCh38, chr6:149,379,019, plus strand): 5'-CTCCAGCACTTCCTCTTCAGTCAATAGCCAGACCTTAAACAGAAATCAGCCCACTGTTTA[C>G]ATAGCTGCCAGCCCCCCAAATACGGATGAGCTGATGTCCCGTAGTCAACCTAAGGTCTAT-3'